The following is an entry in ClinVar:

NM_001292063.2(OTOG):c.2398G>C (p.Asp800His)

Gene: OTOG (otogelin; plus strand). Cytogenetic location: 11p15.1.
Variant type: single nucleotide variant.
Coding change: c.2398G>C on transcript NM_001292063.2 (MANE Select); coding-DNA position 2398, G replaced by C.
Protein change: p.Asp800His; replaces aspartic acid 800 with histidine.
Molecular consequence: missense variant.
Genome position (GRCh38, 1-based): chr11:17,574,824, G>C. VCF-style: chr11-17574824-G-C. GRCh37 (hg19) VCF-style: chr11-17596371-G-C.
Other names: c.2434G>C, p.Asp812His (NM_001277269.2); short protein forms D812H, D800H.
Identifiers: ClinVar variation 2184376 (VCV002184376.3), dbSNP rs141010212, ClinGen allele CA5905620.

ClinVar aggregate classification (germline): Uncertain significance (1 of 4 stars; one submission).

gnomAD v4.1: 4 of 1,550,214 alleles (0.00026%); highest among the groups gnomAD compares: Non-Finnish European, 0.00035%; no homozygotes.

Submission:

Labcorp Genetics (formerly Invitae), Labcorp
Classification: Uncertain significance. Last evaluated: 2023-04-05. Review status: criteria provided, single submitter. Criteria: Invitae Variant Classification Sherloc (09022015). Collection method: clinical testing. Allele origin: germline.
Comment: In summary, the available evidence is currently insufficient to determine the role of this variant in disease. Therefore, it has been classified as a Variant of Uncertain Significance. An algorithm developed to predict the effect of missense changes on protein structure and function (PolyPhen-2) suggests that this variant is likely to be disruptive. This sequence change replaces aspartic acid, which is acidic and polar, with histidine, which is basic and polar, at codon 812 of the OTOG protein (p.Asp812His). This variant is present in population databases (rs141010212, gnomAD 0.004%). This variant has not been reported in the literature in individuals affected with OTOG-related conditions. ClinVar contains an entry for this variant (Variation ID: 2184376).